The following is an entry in ClinVar:

ClinVar aggregate classification (germline): Uncertain significance (1 of 4 stars; one submission).

Submission:

Ambry Genetics
Classification: Uncertain significance. Last evaluated: 2025-02-03. Review status: criteria provided, single submitter. Criteria: Ambry Variant Classification Scheme 2023. Collection method: clinical testing. Allele origin: germline.
Comment: The p.A110V variant (also known as c.329C>T), located in coding exon 1 of the MC1R gene, results from a C to T substitution at nucleotide position 329. The alanine at codon 110 is replaced by valine, an amino acid with similar properties. This amino acid position is conserved. In addition, this alteration is predicted to be tolerated by in silico analysis. Based on the available evidence, the clinical significance of this variant remains unclear.

NM_002386.4(MC1R):c.329C>T (p.Ala110Val)

Gene: MC1R (melanocortin 1 receptor; plus strand). Cytogenetic location: 16q24.3.
Variant type: single nucleotide variant.
Coding change: c.329C>T on transcript NM_002386.4 (MANE Select); coding-DNA position 329, C replaced by T.
Protein change: p.Ala110Val; replaces alanine 110 with valine.
Molecular consequence: missense variant.
Genome position (GRCh38, 1-based): chr16:89,919,587, C>T. VCF-style: chr16-89919587-C-T. GRCh37 (hg19) VCF-style: chr16-89985995-C-T.
Other names: short protein forms A110V.
Identifiers: ClinVar variation 3871102 (VCV003871102.1).